The following is an entry in ClinVar:

ClinVar aggregate classification (germline): Uncertain significance (1 of 4 stars; one submission).

Conditions:
Primary dilated cardiomyopathy (DCM). Also called: Dilated Cardiomyopathy. Identifiers: Orphanet 217604, MedGen C0007193, MeSH D002311, MONDO:0005021, HP:0001644. Inheritance: Various modes of inheritance.

Allele frequency attached by ClinVar (database versions not stated): gnomAD exomes below 0.00001 and 0.00001; ExAC 0.00001; gnomAD 0.00001.

Submission:

Labcorp Genetics (formerly Invitae), Labcorp
Classification: Uncertain significance for Primary dilated cardiomyopathy. Last evaluated: 2025-08-04. Review status: criteria provided, single submitter. Criteria: Invitae Variant Classification Sherloc (09022015). Collection method: clinical testing. Allele origin: germline.
Comment: This sequence change replaces glycine, which is neutral and non-polar, with arginine, which is basic and polar, at codon 44 of the FHL2 protein (p.Gly44Arg). This variant is present in population databases (rs780938900, gnomAD 0.002%). This variant has not been reported in the literature in individuals affected with FHL2-related conditions. ClinVar contains an entry for this variant (Variation ID: 524918). An algorithm developed to predict the effect of missense changes on protein structure and function outputs the following: PolyPhen-2: "Benign". The arginine amino acid residue is found in multiple mammalian species, which suggests that this missense change does not adversely affect protein function. In summary, the available evidence is currently insufficient to determine the role of this variant in disease. Therefore, it has been classified as a Variant of Uncertain Significance.

NM_001318895.3(FHL2):c.130G>A (p.Gly44Arg)

Gene: FHL2 (four and a half LIM domains 2; minus strand). Cytogenetic location: 2q12.2.
Variant type: single nucleotide variant.
Coding change: c.130G>A on transcript NM_001318895.3 (MANE Select); coding-DNA position 130, G replaced by A.
Protein change: p.Gly44Arg; replaces glycine 44 with arginine.
Molecular consequence: missense variant. On other transcripts: 5 prime UTR variant (3).
Genome position (GRCh38, 1-based): chr2:105,386,387, C>T on the plus strand (G>A on the coding strand, the complement: FHL2 is on the minus strand). VCF-style: chr2-105386387-C-T. GRCh37 (hg19) VCF-style: chr2-106002844-C-T.
Other names: c.130G>A, p.Gly44Arg (NM_001039492.3, NM_001318894.1, NM_001318896.2 and 4 more transcripts); c.-38G>A (NM_001318897.2, NM_001318898.2); c.-317G>A (NM_001318899.2); short protein forms G44R.
Identifiers: ClinVar variation 524918 (VCV000524918.6), dbSNP rs780938900, ClinGen allele CA1814860.